The following is an entry in ClinVar:

NM_014141.6(CNTNAP2):c.2227T>C (p.Cys743Arg)

Gene: CNTNAP2 (contactin associated protein 2; plus strand). Cytogenetic location: 7q35.
Variant type: single nucleotide variant.
Coding change: c.2227T>C on transcript NM_014141.6 (MANE Select); coding-DNA position 2227, T replaced by C.
Protein change: p.Cys743Arg; replaces cysteine 743 with arginine.
Molecular consequence: missense variant.
Genome position (GRCh38, 1-based): chr7:147,903,693, T>C. VCF-style: chr7-147903693-T-C. GRCh37 (hg19) VCF-style: chr7-147600785-T-C.
Other names: short protein forms C743R.
Identifiers: ClinVar variation 281895 (VCV000281895.9), dbSNP rs886042257, ClinGen allele CA10603995.
Genomic context (GRCh38, chr7:147,903,693, plus strand): 5'-CCTGGAATCCAGAAATGTGCCTGCGGCATCGAACGCAACTGCACAGATCCCAAGTACTAC[T>C]GTAACTGCGACGCGGACTACAAGCAATGGTGAGTGCCTGCGGGCAGCACAGCCAGGCTCA-3'
Protein context (NP_054860.1, residues 733-753): ERNCTDPKYY[Cys743Arg]NCDADYKQWR

ClinVar aggregate classification (germline): Uncertain significance. Review status: criteria provided, multiple submitters, no conflicts (2 of 4 stars). 3 submissions from 3 submitters: Uncertain significance (3). Last evaluated 2026-06-01.

Conditions:
Cortical dysplasia-focal epilepsy syndrome (PTHSL1). Also called: Pitt-Hopkins-like syndrome 1. Identifiers: Orphanet 163681, Orphanet 221150, MedGen C2750246, MONDO:0012400, OMIM 610042.

Submissions (3):

CeGaT Center for Human Genetics Tuebingen
Classification: Uncertain significance. Last evaluated: 2026-06-01. Review status: criteria provided, single submitter. Criteria: CeGaT Center For Human Genetics Tuebingen Variant Classification Criteria Version 2. Collection method: clinical testing. Allele origin: germline. Affected: yes. Observed: 1 variant allele.
Comment: CNTNAP2: PM2, PP3

Labcorp Genetics (formerly Invitae), Labcorp
Classification: Uncertain significance for Cortical dysplasia-focal epilepsy syndrome. Last evaluated: 2021-10-24. Review status: criteria provided, single submitter. Criteria: Invitae Variant Classification Sherloc (09022015). Collection method: clinical testing. Allele origin: germline.
Comment: This sequence change replaces cysteine with arginine at codon 743 of the CNTNAP2 protein (p.Cys743Arg). The cysteine residue is highly conserved and there is a large physicochemical difference between cysteine and arginine. This variant is not present in population databases (ExAC no frequency). This variant has not been reported in the literature in individuals affected with CNTNAP2-related conditions. ClinVar contains an entry for this variant (Variation ID: 281895). Algorithms developed to predict the effect of missense changes on protein structure and function (SIFT, PolyPhen-2, Align-GVGD) all suggest that this variant is likely to be disruptive. In summary, the available evidence is currently insufficient to determine the role of this variant in disease. Therefore, it has been classified as a Variant of Uncertain Significance.

Eurofins Ntd Llc (ga)
Classification: Uncertain significance. Last evaluated: 2015-07-13. Review status: criteria provided, single submitter. Criteria: EGL Classification Definitions 2015. Collection method: clinical testing. Allele origin: germline. Observed: 1 variant allele, 1 heterozygote.